The following is an entry in ClinVar:

NM_001605.3(AARS1):c.1975A>C (p.Met659Leu)

Gene: AARS1 (alanyl-tRNA synthetase 1; minus strand). Cytogenetic location: 16q22.1.
Variant type: single nucleotide variant.
Coding change: c.1975A>C on transcript NM_001605.3 (MANE Select); coding-DNA position 1975, A replaced by C.
Protein change: p.Met659Leu; replaces methionine 659 with leucine.
Molecular consequence: missense variant.
Genome position (GRCh38, 1-based): chr16:70,258,997, T>G on the plus strand (A>C on the coding strand, the complement: AARS1 is on the minus strand). VCF-style: chr16-70258997-T-G. GRCh37 (hg19) VCF-style: chr16-70292900-T-G.
Other names: short protein forms M659L.
Identifiers: ClinVar variation 2646679 (VCV002646679.24), dbSNP rs2152154324, ClinGen allele CA396557924.

ClinVar aggregate classification (germline): Uncertain significance (1 of 4 stars; one submission).

Submission:

CeGaT Center for Human Genetics Tuebingen
Classification: Uncertain significance. Last evaluated: 2022-04-01. Review status: criteria provided, single submitter. Criteria: CeGaT Center For Human Genetics Tuebingen Variant Classification Criteria Version 2. Collection method: clinical testing. Allele origin: germline. Affected: yes. Observed: 1 variant allele.
Comment: AARS1: PM2